The following is an entry in ClinVar:

NM_001171.6(ABCC6):c.2987G>C (p.Cys996Ser)

Gene: ABCC6 (ATP binding cassette subfamily C member 6; minus strand). Cytogenetic location: 16p13.11.
Variant type: single nucleotide variant.
Coding change: c.2987G>C on transcript NM_001171.6 (MANE Select); coding-DNA position 2987, G replaced by C.
Protein change: p.Cys996Ser; replaces cysteine 996 with serine.
Molecular consequence: missense variant. On other transcripts: non-coding transcript variant (1).
Genome position (GRCh38, 1-based): chr16:16,169,654, C>G on the plus strand (G>C on the coding strand, the complement: ABCC6 is on the minus strand). VCF-style: chr16-16169654-C-G. GRCh37 (hg19) VCF-style: chr16-16263511-C-G.
Other names: c.2645G>C, p.Cys882Ser (NM_001351800.1); short protein forms C882S, C996S.
Identifiers: ClinVar variation 2103570 (VCV002103570.4), dbSNP rs1367317895, ClinGen allele CA394884251.

ClinVar aggregate classification (germline): Uncertain significance (1 of 4 stars; one submission).

Submission:

Labcorp Genetics (formerly Invitae), Labcorp
Classification: Uncertain significance. Last evaluated: 2022-08-28. Review status: criteria provided, single submitter. Criteria: Invitae Variant Classification Sherloc (09022015). Collection method: clinical testing. Allele origin: germline.
Comment: In summary, the available evidence is currently insufficient to determine the role of this variant in disease. Therefore, it has been classified as a Variant of Uncertain Significance. Algorithms developed to predict the effect of missense changes on protein structure and function (SIFT, PolyPhen-2, Align-GVGD) all suggest that this variant is likely to be tolerated. This variant has not been reported in the literature in individuals affected with ABCC6-related conditions. This variant is not present in population databases (gnomAD no frequency). This sequence change replaces cysteine, which is neutral and slightly polar, with serine, which is neutral and polar, at codon 996 of the ABCC6 protein (p.Cys996Ser).